The following is an entry in ClinVar:

NM_001376.5(DYNC1H1):c.2584C>T (p.Arg862Cys)

Gene: DYNC1H1 (dynein cytoplasmic 1 heavy chain 1; plus strand). Cytogenetic location: 14q32.31.
Variant type: single nucleotide variant.
Coding change: c.2584C>T on transcript NM_001376.5 (MANE Select); coding-DNA position 2584, C replaced by T.
Protein change: p.Arg862Cys; replaces arginine 862 with cysteine.
Molecular consequence: missense variant.
Genome position (GRCh38, 1-based): chr14:101,987,498, C>T. VCF-style: chr14-101987498-C-T. GRCh37 (hg19) VCF-style: chr14-102453835-C-T.
Other names: short protein forms R862C.
Identifiers: ClinVar variation 1430135 (VCV001430135.8), dbSNP rs865971340, ClinGen allele CA266981776.

ClinVar aggregate classification (germline): Uncertain significance. Review status: criteria provided, multiple submitters, no conflicts (2 of 4 stars). 2 submissions from 2 submitters: Uncertain significance (2). Last evaluated 2024-02-17.

Conditions:
Charcot-Marie-Tooth disease axonal type 2O. Also called: CHARCOT-MARIE-TOOTH DISEASE, AXONAL, AUTOSOMAL DOMINANT, TYPE 2O; CHARCOT-MARIE-TOOTH NEUROPATHY, AXONAL, TYPE 2O; Charcot-Marie-Tooth Neuropathy Type 2O; Charcot-Marie-Tooth disease, axonal, type 20. Identifiers: Orphanet 284232, MedGen C3280220, MONDO:0013644, OMIM 614228.
Inborn genetic diseases. Identifiers: MedGen C0950123, MeSH D030342.

Allele frequency attached by ClinVar (database versions not stated): gnomAD exomes below 0.00001; gnomAD 0.00001; TOPMed 0.00001.
gnomAD v4.1: 4 of 1,613,990 alleles (0.00025%); highest among the groups gnomAD compares: African/African-American, 0.0013%; no homozygotes.

Submissions (2):

Ambry Genetics
Classification: Uncertain significance for Inborn genetic diseases. Last evaluated: 2024-02-17. Review status: criteria provided, single submitter. Criteria: Ambry Variant Classification Scheme 2023. Collection method: clinical testing. Allele origin: germline.

Labcorp Genetics (formerly Invitae), Labcorp
Classification: Uncertain significance for Charcot-Marie-Tooth disease axonal type 2O. Last evaluated: 2021-08-30. Review status: criteria provided, single submitter. Criteria: Invitae Variant Classification Sherloc (09022015). Collection method: clinical testing. Allele origin: germline.
Comment: This sequence change replaces arginine with cysteine at codon 862 of the DYNC1H1 protein (p.Arg862Cys). The arginine residue is highly conserved and there is a large physicochemical difference between arginine and cysteine. This variant is not present in population databases (ExAC no frequency). This variant has not been reported in the literature in individuals affected with DYNC1H1-related conditions. Advanced modeling of protein sequence and biophysical properties (such as structural, functional, and spatial information, amino acid conservation, physicochemical variation, residue mobility, and thermodynamic stability) performed at Invitae indicates that this missense variant is not expected to disrupt DYNC1H1 protein function. In summary, the available evidence is currently insufficient to determine the role of this variant in disease. Therefore, it has been classified as a Variant of Uncertain Significance.